The following is an entry in ClinVar:

ClinVar aggregate classification (germline): Uncertain significance (1 of 4 stars; one submission).

Allele frequency attached by ClinVar (database versions not stated): gnomAD exomes below 0.00001; TOPMed below 0.00001.
gnomAD v4.1: 2 of 1,614,186 alleles (0.00012%); highest among the groups gnomAD compares: Admixed American, 0.0017%; no homozygotes.

Submission:

Labcorp Genetics (formerly Invitae), Labcorp
Classification: Uncertain significance. Last evaluated: 2024-12-03. Review status: criteria provided, single submitter. Criteria: Invitae Variant Classification Sherloc (09022015). Collection method: clinical testing. Allele origin: germline.
Comment: This sequence change replaces cysteine, which is neutral and slightly polar, with tyrosine, which is neutral and polar, at codon 464 of the ATP1A1 protein (p.Cys464Tyr). This variant is not present in population databases (gnomAD no frequency). This variant has not been reported in the literature in individuals affected with ATP1A1-related conditions. ClinVar contains an entry for this variant (Variation ID: 2084716). Invitae Evidence Modeling of protein sequence and biophysical properties (such as structural, functional, and spatial information, amino acid conservation, physicochemical variation, residue mobility, and thermodynamic stability) indicates that this missense variant is not expected to disrupt ATP1A1 protein function with a negative predictive value of 95%. In summary, the available evidence is currently insufficient to determine the role of this variant in disease. Therefore, it has been classified as a Variant of Uncertain Significance.

NM_000701.8(ATP1A1):c.1391G>A (p.Cys464Tyr)

Genes: ATP1A1 (ATPase Na+/K+ transporting subunit alpha 1; plus strand), ATP1A1-AS1 (ATP1A1 antisense RNA 1; minus strand). Cytogenetic location: 1p13.1.
Variant type: single nucleotide variant.
Coding change: c.1391G>A on transcript NM_000701.8 (MANE Select); coding-DNA position 1391, G replaced by A.
Protein change: p.Cys464Tyr; replaces cysteine 464 with tyrosine.
Molecular consequence: missense variant. On other transcripts: non-coding transcript variant (1).
Genome position (GRCh38, 1-based): chr1:116,392,912, G>A. VCF-style: chr1-116392912-G-A. GRCh37 (hg19) VCF-style: chr1-116935534-G-A.
Other names: c.1391G>A, p.Cys464Tyr (NM_001160233.2); c.1298G>A, p.Cys433Tyr (NM_001160234.2); short protein forms C464Y, C433Y.
Identifiers: ClinVar variation 2084716 (VCV002084716.4), dbSNP rs1652584715, ClinGen allele CA341770384.
Genomic context (GRCh38, chr1:116,392,912, plus strand): 5'-AGCGGGCAGTTGCAGGAGATGCCTCTGAGTCAGCACTCTTAAAGTGCATAGAGCTGTGCT[G>A]TGGTTCCGTGAAGGAGATGAGAGAAAGATACGCCAAAATCGTCGAGATACCCTTCAACTC-3'
Protein context (NP_000692.2, residues 454-474): SALLKCIELC[Cys464Tyr]GSVKEMRERY